The following is an entry in ClinVar:

ClinVar aggregate classification (germline): Uncertain significance (1 of 4 stars; one submission).

Conditions:
Bethlem myopathy 1A. Also called: MYOPATHY, BENIGN CONGENITAL, WITH CONTRACTURES; Bethlem myopathy 1; Bethlem Muscular Dystrophy. Identifiers: Orphanet 610, MedGen CN029274, MONDO:0024530, OMIM 158810.

Submission:

Labcorp Genetics (formerly Invitae), Labcorp
Classification: Uncertain significance for Bethlem myopathy 1A. Last evaluated: 2022-05-29. Review status: criteria provided, single submitter. Criteria: Invitae Variant Classification Sherloc (09022015). Collection method: clinical testing. Allele origin: germline.
Comment: In summary, the available evidence is currently insufficient to determine the role of this variant in disease. Therefore, it has been classified as a Variant of Uncertain Significance. Advanced modeling of protein sequence and biophysical properties (such as structural, functional, and spatial information, amino acid conservation, physicochemical variation, residue mobility, and thermodynamic stability) performed at Invitae indicates that this missense variant is not expected to disrupt COL6A3 protein function. This variant has not been reported in the literature in individuals affected with COL6A3-related conditions. This variant is not present in population databases (gnomAD no frequency). This sequence change replaces isoleucine, which is neutral and non-polar, with phenylalanine, which is neutral and non-polar, at codon 789 of the COL6A3 protein (p.Ile789Phe).

NM_004369.4(COL6A3):c.2365A>T (p.Ile789Phe)

Gene: COL6A3 (collagen type VI alpha 3 chain; minus strand). Cytogenetic location: 2q37.3.
Variant type: single nucleotide variant.
Coding change: c.2365A>T on transcript NM_004369.4 (MANE Select); coding-DNA position 2365, A replaced by T.
Protein change: p.Ile789Phe; replaces isoleucine 789 with phenylalanine.
Molecular consequence: missense variant. On other transcripts: intron variant (1).
Genome position (GRCh38, 1-based): chr2:237,378,768, T>A on the plus strand (A>T on the coding strand, the complement: COL6A3 is on the minus strand). VCF-style: chr2-237378768-T-A. GRCh37 (hg19) VCF-style: chr2-238287411-T-A.
Other names: c.1144A>T, p.Ile382Phe (NM_057164.5); c.1747A>T, p.Ile583Phe (NM_057165.5, NM_057167.4); c.677-1424A>T (NM_057166.5); short protein forms I382F, I789F, I583F.
Identifiers: ClinVar variation 1990385 (VCV001990385.4), dbSNP rs2469919641, ClinGen allele CA351212995.